The following is an entry in ClinVar:

NM_000522.5(HOXA13):c.529G>A (p.Gly177Ser)

Genes: HOXA13 (homeobox A13; minus strand), LOC107126288 (NUP98-HOXA13 recombination region; plus strand). Cytogenetic location: 7p15.2.
Variant type: single nucleotide variant.
Coding change: c.529G>A on transcript NM_000522.5 (MANE Select); coding-DNA position 529, G replaced by A.
Protein change: p.Gly177Ser; replaces glycine 177 with serine.
Molecular consequence: missense variant.
Genome position (GRCh38, 1-based): chr7:27,199,549, C>T on the plus strand (G>A on the coding strand, the complement: HOXA13 is on the minus strand). VCF-style: chr7-27199549-C-T. GRCh37 (hg19) VCF-style: chr7-27239168-C-T.
Other names: short protein forms G177S.
Identifiers: ClinVar variation 2460922 (VCV002460922.5), dbSNP rs773571634, ClinGen allele CA4198677.

ClinVar aggregate classification (germline): Uncertain significance. Review status: criteria provided, multiple submitters, no conflicts (2 of 4 stars). 2 submissions from 2 submitters: Uncertain significance (2). Last evaluated 2025-03-18.

Conditions:
Inborn genetic diseases. Identifiers: MedGen C0950123, MeSH D030342.

Submissions (2):

Ambry Genetics
Classification: Uncertain significance for Inborn genetic diseases. Last evaluated: 2025-03-18. Review status: criteria provided, single submitter. Criteria: Ambry Variant Classification Scheme 2023. Collection method: clinical testing. Allele origin: germline.

Labcorp Genetics (formerly Invitae), Labcorp
Classification: Uncertain significance. Last evaluated: 2024-11-11. Review status: criteria provided, single submitter. Criteria: Invitae Variant Classification Sherloc (09022015). Collection method: clinical testing. Allele origin: germline.
Comment: This sequence change replaces glycine, which is neutral and non-polar, with serine, which is neutral and polar, at codon 177 of the HOXA13 protein (p.Gly177Ser). This variant is present in population databases (rs773571634, gnomAD 0.02%). This variant has not been reported in the literature in individuals affected with HOXA13-related conditions. ClinVar contains an entry for this variant (Variation ID: 2460922). Invitae Evidence Modeling of protein sequence and biophysical properties (such as structural, functional, and spatial information, amino acid conservation, physicochemical variation, residue mobility, and thermodynamic stability) indicates that this missense variant is not expected to disrupt HOXA13 protein function with a negative predictive value of 80%. In summary, the available evidence is currently insufficient to determine the role of this variant in disease. Therefore, it has been classified as a Variant of Uncertain Significance.